The following is an entry in ClinVar:

NM_030665.4(RAI1):c.1348C>T (p.Gln450Ter)

Gene: RAI1 (retinoic acid induced 1; plus strand). Cytogenetic location: 17p11.2.
Variant type: single nucleotide variant.
Coding change: c.1348C>T on transcript NM_030665.4 (MANE Select); coding-DNA position 1348, C replaced by T.
Protein change: p.Gln450Ter; replaces glutamine 450 with a stop codon.
Molecular consequence: nonsense.
Genome position (GRCh38, 1-based): chr17:17,794,296, C>T. VCF-style: chr17-17794296-C-T. GRCh37 (hg19) VCF-style: chr17-17697610-C-T.
Other names: short protein forms Q450*.
Identifiers: ClinVar variation 620558 (VCV000620558.2), dbSNP rs1567917533, ClinGen allele CA398547629.

ClinVar aggregate classification (germline): Pathogenic. Review status: criteria provided, multiple submitters, no conflicts (2 of 4 stars). 2 submissions from 2 submitters: Pathogenic (2). Last evaluated 2025-10-07.

Conditions:
Smith-Magenis syndrome (SMS). Also called: CHROMOSOME 17p11.2 DELETION SYNDROME. Identifiers: Orphanet 819, MedGen C0795864, MONDO:0008434, OMIM 182290.

Submissions (2):

3billion
Classification: Pathogenic for Smith-Magenis syndrome. Last evaluated: 2025-10-07. Review status: criteria provided, single submitter. Criteria: ACMG Guidelines, 2015. Collection method: clinical testing. Allele origin: germline. Affected: yes.
Comment: The variant is not observed in the gnomAD v4.1.0 dataset. Predicted Consequence/Location: Stop-gained (nonsense): predicted to result in a loss or disruption of normal protein function through nonsense-mediated decay (NMD) or protein truncation. Multiple pathogenic variants are reported downstream of the variant. The variant has been reported to be associated with RAI1-related disorder (ClinVar ID: VCV000620558). Therefore, this variant is classified as Pathogenic according to the recommendation of ACMG/AMP guideline.

GeneDx
Classification: Pathogenic. Last evaluated: 2019-01-17. Review status: criteria provided, single submitter. Criteria: GeneDx Variant Classification (06012015). Collection method: clinical testing. Allele origin: germline. Affected: yes.
Comment: The Q450X nonsense variant in the RAI1 gene is predicted to cause loss of normal protein function either through protein truncation or nonsense-mediated mRNA decay. The Q450X variant is not observed in large population cohorts (Lek et al., 2016).